The following is an entry in ClinVar:

NM_001111.5(ADAR):c.3665A>C (p.Tyr1222Ser)

Gene: ADAR (adenosine deaminase RNA specific; minus strand). Cytogenetic location: 1q21.3.
Variant type: single nucleotide variant.
Coding change: c.3665A>C on transcript NM_001111.5 (MANE Select); coding-DNA position 3665, A replaced by C.
Protein change: p.Tyr1222Ser; replaces tyrosine 1222 with serine.
Molecular consequence: missense variant.
Genome position (GRCh38, 1-based): chr1:154,584,822, T>G on the plus strand (A>C on the coding strand, the complement: ADAR is on the minus strand). VCF-style: chr1-154584822-T-G. GRCh37 (hg19) VCF-style: chr1-154557298-T-G.
Other names: c.2780A>C, p.Tyr927Ser (NM_001025107.3, NM_001193495.2, NM_001365046.1 and 2 more transcripts); c.3692A>C, p.Tyr1231Ser (NM_001365045.1); c.2702A>C, p.Tyr901Ser (NM_001365049.1); c.3587A>C, p.Tyr1196Ser (NM_015840.4); c.3530A>C, p.Tyr1177Ser (NM_015841.4); short protein forms Y1177S, Y1196S, Y1231S, Y1222S, Y901S, Y927S.
Identifiers: ClinVar variation 2949974 (VCV002949974.3), dbSNP rs2526442425, ClinGen allele CA342634439.

ClinVar aggregate classification (germline): Uncertain significance (1 of 4 stars; one submission).

Conditions:
Symmetrical dyschromatosis of extremities (DSH). Also called: DYSCHROMATOSIS SYMMETRICA HEREDITARIA 1; RETICULATE ACROPIGMENTATION OF DOHI; SYMMETRIC DYSCHROMATOSIS OF THE EXTREMITIES; Dyschromatosis symmetrica hereditaria. Identifiers: Orphanet 41, MedGen C0406775, MONDO:0007483, OMIM 127400.
Aicardi-Goutieres syndrome 6 (AGS6). Identifiers: Orphanet 51, MedGen C3539013, MONDO:0014007, OMIM 615010.

Submission:

Labcorp Genetics (formerly Invitae), Labcorp
Classification: Uncertain significance for Aicardi-Goutieres syndrome 6; Symmetrical dyschromatosis of extremities. Last evaluated: 2023-07-17. Review status: criteria provided, single submitter. Criteria: Invitae Variant Classification Sherloc (09022015). Collection method: clinical testing. Allele origin: germline.
Comment: In summary, the available evidence is currently insufficient to determine the role of this variant in disease. Therefore, it has been classified as a Variant of Uncertain Significance. Advanced modeling of protein sequence and biophysical properties (such as structural, functional, and spatial information, amino acid conservation, physicochemical variation, residue mobility, and thermodynamic stability) performed at Invitae indicates that this missense variant is not expected to disrupt ADAR protein function. This variant has not been reported in the literature in individuals affected with ADAR-related conditions. This variant is not present in population databases (gnomAD no frequency). This sequence change replaces tyrosine, which is neutral and polar, with serine, which is neutral and polar, at codon 1222 of the ADAR protein (p.Tyr1222Ser).